The following is an entry in ClinVar:

NM_004064.5(CDKN1B):c.451A>G (p.Ile151Val)

Gene: CDKN1B (cyclin dependent kinase inhibitor 1B; plus strand). Cytogenetic location: 12p13.1.
Variant type: single nucleotide variant.
Coding change: c.451A>G on transcript NM_004064.5 (MANE Select); coding-DNA position 451, A replaced by G.
Protein change: p.Ile151Val; replaces isoleucine 151 with valine.
Molecular consequence: missense variant.
Genome position (GRCh38, 1-based): chr12:12,718,290, A>G. VCF-style: chr12-12718290-A-G. GRCh37 (hg19) VCF-style: chr12-12871224-A-G.
Other names: short protein forms I151V.
Identifiers: ClinVar variation 2450789 (VCV002450789.2), dbSNP rs2497405853, ClinGen allele CA383970852.

ClinVar aggregate classification (germline): Uncertain significance (1 of 4 stars; one submission).

Conditions:
Hereditary cancer-predisposing syndrome. Also called: Neoplastic Syndromes, Hereditary; Tumor predisposition; Hereditary neoplastic syndrome; Hereditary Cancer Syndrome. Identifiers: Orphanet 140162, MedGen C0027672, MeSH D009386, MONDO:0015356.

Submission:

Ambry Genetics
Classification: Uncertain significance for Hereditary cancer-predisposing syndrome. Last evaluated: 2023-03-03. Review status: criteria provided, single submitter. Criteria: Ambry Variant Classification Scheme 2023. Collection method: clinical testing. Allele origin: germline.
Comment: The p.I151V variant (also known as c.451A>G), located in coding exon 1 of the CDKN1B gene, results from an A to G substitution at nucleotide position 451. The isoleucine at codon 151 is replaced by valine, an amino acid with highly similar properties. This amino acid position is poorly conserved in available vertebrate species. In addition, this alteration is predicted to be tolerated by in silico analysis. Since supporting evidence is limited at this time, the clinical significance of this alteration remains unclear.